The following is an entry in ClinVar:

NM_000090.4(COL3A1):c.1108G>C (p.Glu370Gln)

Gene: COL3A1 (collagen type III alpha 1 chain; plus strand). Cytogenetic location: 2q32.2.
Variant type: single nucleotide variant.
Coding change: c.1108G>C on transcript NM_000090.4 (MANE Select); coding-DNA position 1108, G replaced by C.
Protein change: p.Glu370Gln; replaces glutamic acid 370 with glutamine.
Molecular consequence: missense variant.
Genome position (GRCh38, 1-based): chr2:188,993,418, G>C. VCF-style: chr2-188993418-G-C. GRCh37 (hg19) VCF-style: chr2-189858144-G-C.
Other names: short protein forms E370Q.
Identifiers: ClinVar variation 3074190 (VCV003074190.1), dbSNP rs1245667748, ClinGen allele CA349850957.

ClinVar aggregate classification (germline): Uncertain significance (1 of 4 stars; one submission).

Conditions:
Ehlers-Danlos syndrome, type 4 (EDSVASC). Also called: Ehlers-Danlos Syndrome Type IV; Ehlers-Danlos syndrome vascular type; Ehlers Danlos syndrome, ecchymotic type; Ehlers Danlos syndrome, arterial type; Ehlers Danlos syndrome, Sack-Barabas type. Identifiers: Orphanet 286, MedGen C0268338, MONDO:0017314, OMIM 130050.

Submission:

All of Us Research Program, National Institutes of Health
Classification: Uncertain significance for Ehlers-Danlos syndrome, type 4. Last evaluated: 2023-12-06. Review status: criteria provided, single submitter. Criteria: ACMG Guidelines, 2015. Collection method: clinical testing. Allele origin: germline. Inheritance: Autosomal dominant inheritance. Observed: 1 variant allele, 1 heterozygote.
Comment: This study involves interpretation of variants in research participants for the purpose of population health screening. Participant phenotype was not available at the time of variant classification. Additional details can be found in publication PMID: 35346344, PMCID: PMC8962531